The following is an entry in ClinVar:

ClinVar aggregate classification (germline): Benign/Likely benign. Review status: criteria provided, multiple submitters, no conflicts (2 of 4 stars). 2 submissions from 2 submitters: Benign (1); Likely benign (1). Last evaluated 2026-05-03.

Conditions:
VWA1-related disorder. Also called: VWA1-related condition.

Submissions (2):

PreventionGenetics, part of Exact Sciences
Classification: Likely benign for VWA1-related condition. Last evaluated: 2026-05-03. Review status: criteria provided, single submitter. Criteria: ACMG Guidelines, 2015. Collection method: clinical testing. Allele origin: germline.
Comment: This variant is classified as likely benign based on ACMG/AMP sequence variant interpretation guidelines (Richards et al. 2015 PMID: 25741868, with internal and published modifications).

Women's Health and Genetics/Laboratory Corporation of America, LabCorp
Classification: Benign. Last evaluated: 2026-04-28. Review status: criteria provided, single submitter. Criteria: LabCorp Variant Classification Summary - May 2015. Collection method: clinical testing. Allele origin: germline.
Comment: Variant summary: VWA1 c.510C>T alters a conserved nucleotide resulting in a synonymous change. Consensus agreement among computation tools predict no significant impact on normal splicing. However, these predictions have yet to be confirmed by functional studies. The variant allele was found at a frequency of 0.00035 in 249240 control chromosomes, predominantly at a frequency of 0.004 within the African or African-American subpopulation in the gnomAD database. The observed variant frequency within African or African-American control individuals in the gnomAD database exceeds the estimated maximal expected allele frequency for disease-causing variants in VWA1. To our knowledge, no occurrence of c.510C>T in individuals affected with VWA1-related conditions and no experimental evidence demonstrating its impact on protein function have been reported. No submitters have cited clinical-significance assessments for this variant to ClinVar. Based on the evidence outlined above, the variant was classified as benign.

NM_022834.5(VWA1):c.510C>T (p.Thr170=)

Gene: VWA1 (von Willebrand factor A domain containing 1; plus strand). Cytogenetic location: 1p36.33.
Variant type: single nucleotide variant.
Coding change: c.510C>T on transcript NM_022834.5 (MANE Select); coding-DNA position 510, C replaced by T.
Protein change: p.Thr170=; no amino-acid change (threonine 170 retained).
Molecular consequence: synonymous variant. On other transcripts: missense variant (1).
Genome position (GRCh38, 1-based): chr1:1,437,363, C>T. VCF-style: chr1-1437363-C-T. GRCh37 (hg19) VCF-style: chr1-1372743-C-T.
Other names: c.115C>T, p.Arg39Trp (NM_199121.3); c.115C>T (NM_199121.2); short protein forms R39W.
Identifiers: ClinVar variation 4848643 (VCV004848643.2).